The following is an entry in ClinVar:

NM_015047.3(EMC1):c.2377-13C>G

Genes: EMC1 (ER membrane protein complex subunit 1; minus strand), EMC1-AS1 (EMC1 antisense RNA 1; plus strand). Cytogenetic location: 1p36.13.
Variant type: single nucleotide variant.
Coding change: c.2377-13C>G on transcript NM_015047.3 (MANE Select); 13 bases into the intron before coding-DNA position 2377, C replaced by G.
Molecular consequence: intron variant.
Genome position (GRCh38, 1-based): chr1:19,222,847, G>C on the plus strand (C>G on the coding strand, the complement: EMC1 is on the minus strand). VCF-style: chr1-19222847-G-C. GRCh37 (hg19) VCF-style: chr1-19549341-G-C.
Other names: c.2311-13C>G (NM_001271429.2); c.2374-13C>G (NM_001271427.2, NM_001271428.2); c.2383-13C>G (NM_001375821.1); c.2386-13C>G (NM_001375820.1).
Identifiers: ClinVar variation 3612877 (VCV003612877.2).
Genomic context (GRCh38, chr1:19,222,847, plus strand): 5'-CAGTACGGTAAACTCGTTGCGCCGAGCCTTGGTGTTCCAGTACTGGTACTGCAGGGATAG[G>C]AGGTGGCAGCTCAGGGCTTAGCAGCTGCTTCAACTGGAAAGGGAAATTGCACTGGAAGGC-3'

ClinVar aggregate classification (germline): Uncertain significance (1 of 4 stars; one submission).

gnomAD v4.1: 15 of 1,590,304 alleles (0.00094%); highest among the groups gnomAD compares: Non-Finnish European, 0.0012%; no homozygotes.

Submission:

Labcorp Genetics (formerly Invitae), Labcorp
Classification: Uncertain significance. Last evaluated: 2025-11-06. Review status: criteria provided, single submitter. Criteria: Invitae Variant Classification Sherloc (09022015). Collection method: clinical testing. Allele origin: germline.
Comment: This sequence change falls in intron 19 of the EMC1 gene. It does not directly change the encoded amino acid sequence of the EMC1 protein. This variant is not present in population databases (gnomAD no frequency). This variant has not been reported in the literature in individuals affected with EMC1-related conditions. ClinVar contains an entry for this variant (Variation ID: 3612877). Algorithms developed to predict the effect of sequence changes on RNA splicing suggest that this variant may create or strengthen a splice site. In summary, the available evidence is currently insufficient to determine the role of this variant in disease. Therefore, it has been classified as a Variant of Uncertain Significance.